The following is an entry in ClinVar:

ClinVar aggregate classification (germline): Likely benign (1 of 4 stars; one submission).

Allele frequency attached by ClinVar (database versions not stated): gnomAD 0.00014 and 0.00062; TOPMed 0.00019; gnomAD exomes 0.00098 and 0.00181; ExAC 0.00196; 1000 Genomes Project 30x 0.00344; 1000 Genomes Project 0.00379.
gnomAD v4.1: 1,519 of 1,611,784 alleles (0.094%); highest among the groups gnomAD compares: South Asian, 1.3%; 26 homozygotes.

Submission:

GeneDx
Classification: Likely benign. Last evaluated: 2018-06-14. Review status: criteria provided, single submitter. Criteria: GeneDx Variant Classification (06012015). Collection method: clinical testing. Allele origin: germline. Affected: yes.
Comment: This variant is considered likely benign or benign based on one or more of the following criteria: it is a conservative change, it occurs at a poorly conserved position in the protein, it is predicted to be benign by multiple in silico algorithms, and/or has population frequency not consistent with disease.

NM_000393.5(COL5A2):c.3925+34G>A

Gene: COL5A2 (collagen type V alpha 2 chain; minus strand). Cytogenetic location: 2q32.2.
Variant type: single nucleotide variant.
Coding change: c.3925+34G>A on transcript NM_000393.5 (MANE Select); 34 bases into the intron after coding-DNA position 3925, G replaced by A.
Molecular consequence: intron variant.
Genome position (GRCh38, 1-based): chr2:189,039,238, C>T on the plus strand (G>A on the coding strand, the complement: COL5A2 is on the minus strand). VCF-style: chr2-189039238-C-T. GRCh37 (hg19) VCF-style: chr2-189903964-C-T.
Identifiers: ClinVar variation 677642 (VCV000677642.1), dbSNP rs372307420, ClinGen allele CA2021889.